The following is an entry in ClinVar:

NM_003896.4(ST3GAL5):c.319-1G>C

Gene: ST3GAL5 (ST3 beta-galactoside alpha-2,3-sialyltransferase 5; minus strand). Cytogenetic location: 2p11.2.
Variant type: single nucleotide variant.
Coding change: c.319-1G>C on transcript NM_003896.4 (MANE Select); the canonical splice acceptor site of the intron before coding-DNA position 319, G replaced by C.
Molecular consequence: splice acceptor variant. On other transcripts: 5 prime UTR variant (4).
Genome position (GRCh38, 1-based): chr2:85,848,205, C>G on the plus strand (G>C on the coding strand, the complement: ST3GAL5 is on the minus strand). VCF-style: chr2-85848205-C-G. GRCh37 (hg19) VCF-style: chr2-86075328-C-G.
Other names: c.235-1G>C (NM_001354227.2, NM_001354229.2, NM_001354238.1); c.250-1G>C (NM_001042437.2); c.319-1G>C (NM_001363847.1); c.-66-1G>C (NM_001354234.1, NM_001354248.1, NM_001354224.2); c.-67G>C (NM_001354223.2, NM_001354226.2, NM_001354233.2); c.-587G>C (NM_001354247.1).
Identifiers: ClinVar variation 3389328 (VCV003389328.14).

ClinVar aggregate classification (germline): Pathogenic (1 of 4 stars; one submission).

Submission:

CeGaT Center for Human Genetics Tuebingen
Classification: Pathogenic. Last evaluated: 2024-11-01. Review status: criteria provided, single submitter. Criteria: CeGaT Center For Human Genetics Tuebingen Variant Classification Criteria Version 2. Collection method: clinical testing. Allele origin: germline. Affected: yes. Observed: 1 variant allele.
Comment: ST3GAL5: PVS1, PM2